The following is an entry in ClinVar:

NM_001377.3(DYNC2H1):c.7122G>A (p.Leu2374=)

Gene: DYNC2H1 (dynein cytoplasmic 2 heavy chain 1; plus strand). Cytogenetic location: 11q22.3.
Variant type: single nucleotide variant.
Coding change: c.7122G>A on transcript NM_001377.3 (MANE Select); coding-DNA position 7122, G replaced by A.
Protein change: p.Leu2374=; no amino-acid change (leucine 2374 retained).
Molecular consequence: synonymous variant.
Genome position (GRCh38, 1-based): chr11:103,187,568, G>A. VCF-style: chr11-103187568-G-A. GRCh37 (hg19) VCF-style: chr11-103058297-G-A.
Other names: p.Leu2374=; c.7122G>A, p.Leu2374= (NM_001080463.2).
Identifiers: ClinVar variation 302060 (VCV000302060.25), dbSNP rs116574613, ClinGen allele CA6254151.

ClinVar aggregate classification (germline): Benign/Likely benign. Review status: criteria provided, multiple submitters, no conflicts (2 of 4 stars). 6 submissions from 6 submitters: Benign (5); Likely benign (1). Last evaluated 2026-02-02.

Conditions:
Asphyxiating thoracic dystrophy 3. Also called: SHORT-RIB THORACIC DYSPLASIA 3 WITH OR WITHOUT POLYDACTYLY; POLYDACTYLY WITH NEONATAL CHONDRODYSTROPHY, TYPE I; SHORT-RIB THORACIC DYSPLASIA 3/6 WITH POLYDACTYLY, DIGENIC; Short rib polydactyly syndrome 2B; Saldino-Noonan Syndrome. Identifiers: Orphanet 474, Orphanet 93269, Orphanet 93270, Orphanet 93271, MedGen C0036069, MONDO:0013127, OMIM 613091.
Jeune thoracic dystrophy. Also called: Short-rib thoracic dysplasia; Jeune syndrome; Infantile thoracic dystrophy; Thoracic pelvic phalangeal dystrophy; Jeune's syndrome; Chondroectodermal dysplasia-like syndrome. Identifiers: Orphanet 474, MedGen C0265275, MONDO:0018770.

Allele frequency attached by ClinVar (database versions not stated): gnomAD exomes 0.00133 and 0.00369; ExAC 0.00421; gnomAD 0.01444 and 0.01532; ESP Exome Variant Server 0.01484; TOPMed 0.01636; 1000 Genomes Project 0.01757; 1000 Genomes Project 30x 0.01889.
gnomAD v4.1: 4,215 of 1,612,800 alleles (0.26%); highest among the groups gnomAD compares: African/African-American, 4.9%; 114 homozygotes.

Submissions (6):

Labcorp Genetics (formerly Invitae), Labcorp
Classification: Benign for Jeune thoracic dystrophy. Last evaluated: 2026-02-02. Review status: criteria provided, single submitter. Criteria: Invitae Variant Classification Sherloc (09022015). Collection method: clinical testing. Allele origin: germline.

ARUP Laboratories, Molecular Genetics and Genomics, ARUP Laboratories
Classification: Benign for Asphyxiating thoracic dystrophy 3. Last evaluated: 2025-06-11. Review status: criteria provided, single submitter. Criteria: ARUP Molecular Germline Variant Investigation Process 2024. Collection method: clinical testing. Allele origin: germline.

Mayo Clinic Laboratories, Mayo Clinic
Classification: Benign. Last evaluated: 2024-06-14. Review status: criteria provided, single submitter. Criteria: ACMG Guidelines, 2015. Collection method: clinical testing. Allele origin: germline. Observed: 2 variant alleles.
Comment: BA1, BS2, BP4, BP7

Illumina Laboratory Services, Illumina
Classification: Benign for Asphyxiating thoracic dystrophy 3. Last evaluated: 2018-01-12. Review status: criteria provided, single submitter. Criteria: ICSL Variant Classification Criteria 13 December 2019. Collection method: clinical testing. Allele origin: germline.
Comment: This variant was observed in the ICSL laboratory as part of a predisposition screen in an ostensibly healthy population. It had not been previously curated by ICSL or reported in the Human Gene Mutation Database (HGMD: prior to June 1st, 2018), and was therefore a candidate for classification through an automated scoring system. Utilizing variant allele frequency, disease prevalence and penetrance estimates, and inheritance mode, an automated score was calculated to assess if this variant is too frequent to cause the disease. Based on the score and internal cut-off values, a variant classified as benign is not then subjected to further curation. The score for this variant resulted in a classification of benign for this disease.

GeneDx
Classification: Benign. Last evaluated: 2017-06-29. Review status: criteria provided, single submitter. Criteria: GeneDx Variant Classification (06012015). Collection method: clinical testing. Allele origin: germline. Affected: yes.
Comment: This variant is considered likely benign or benign based on one or more of the following criteria: it is a conservative change, it occurs at a poorly conserved position in the protein, it is predicted to be benign by multiple in silico algorithms, and/or has population frequency not consistent with disease.

Breakthrough Genomics
Classification: Likely benign. Review status: criteria provided, single submitter. Criteria: ACMG Guidelines, 2015. Collection method: not provided. Allele origin: germline. Inheritance: Autosomal recessive inheritance. Affected: yes.